The following is an entry in ClinVar:

NM_001999.4(FBN2):c.1906G>A (p.Asp636Asn)

Gene: FBN2 (fibrillin 2; minus strand). Cytogenetic location: 5q23.3.
Variant type: single nucleotide variant.
Coding change: c.1906G>A on transcript NM_001999.4 (MANE Select); coding-DNA position 1906, G replaced by A.
Protein change: p.Asp636Asn; replaces aspartic acid 636 with asparagine.
Molecular consequence: missense variant.
Genome position (GRCh38, 1-based): chr5:128,376,797, C>T on the plus strand (G>A on the coding strand, the complement: FBN2 is on the minus strand). VCF-style: chr5-128376797-C-T. GRCh37 (hg19) VCF-style: chr5-127712490-C-T.
Other names: short protein forms D636N.
Identifiers: ClinVar variation 5021622 (VCV005021622.1).

ClinVar aggregate classification (germline): Uncertain significance (1 of 4 stars; one submission).

Conditions:
Familial thoracic aortic aneurysm and aortic dissection (TAAD). Also called: Thoracic aortic aneurysms and dissections. Identifiers: Orphanet 91387, MedGen C4707243, MONDO:0019625.

Submission:

Ambry Genetics
Classification: Uncertain significance for Familial thoracic aortic aneurysm and aortic dissection. Last evaluated: 2026-06-25. Review status: criteria provided, single submitter. Criteria: Ambry Variant Classification Scheme 2023. Collection method: clinical testing. Allele origin: germline.
Comment: The p.D636N variant (also known as c.1906G>A), located in coding exon 14 of the FBN2 gene, results from a G to A substitution at nucleotide position 1906. The aspartic acid at codon 636 is replaced by asparagine, an amino acid with highly similar properties. This amino acid position is conserved. In addition, the in silico prediction for this alteration is inconclusive. Based on the available evidence, the clinical significance of this variant remains unclear.